The following is an entry in ClinVar:

ClinVar aggregate classification (germline): Uncertain significance (1 of 4 stars; one submission).

gnomAD v4.1: 4 of 1,614,012 alleles (0.00025%); highest among the groups gnomAD compares: African/African-American, 0.0053%; no homozygotes.

Submission:

Women's Health and Genetics/Laboratory Corporation of America, LabCorp
Classification: Uncertain significance. Last evaluated: 2025-12-09. Review status: criteria provided, single submitter. Criteria: LabCorp Variant Classification Summary - May 2015. Collection method: clinical testing. Allele origin: germline.
Comment: Variant summary: POGZ c.3352C>A (p.Pro1118Thr) results in a non-conservative amino acid change in the encoded protein sequence. Algorithms developed to predict the effect of missense changes on protein structure and function are either unavailable or do not agree on the potential impact of this missense change. The variant was absent in 251476 control chromosomes. The available data on variant occurrences in the general population are insufficient to allow any conclusion about variant significance. To our knowledge, no occurrence of c.3352C>A in individuals affected with POGZ-related conditions and no experimental evidence demonstrating its impact on protein function have been reported. No submitters have cited clinical-significance assessments for this variant to ClinVar. Based on the evidence outlined above, the variant was classified as uncertain significance.

NM_015100.4(POGZ):c.3352C>A (p.Pro1118Thr)

Gene: POGZ (pogo transposable element derived with ZNF domain; minus strand). Cytogenetic location: 1q21.3.
Variant type: single nucleotide variant.
Coding change: c.3352C>A on transcript NM_015100.4 (MANE Select); coding-DNA position 3352, C replaced by A.
Protein change: p.Pro1118Thr; replaces proline 1118 with threonine.
Molecular consequence: missense variant.
Genome position (GRCh38, 1-based): chr1:151,405,683, G>T on the plus strand (C>A on the coding strand, the complement: POGZ is on the minus strand). VCF-style: chr1-151405683-G-T. GRCh37 (hg19) VCF-style: chr1-151378159-G-T.
Other names: c.3325C>A, p.Pro1109Thr (NM_001194937.2); c.3166C>A, p.Pro1056Thr (NM_001194938.2); c.3373C>A, p.Pro1125Thr (NM_001410860.1); c.3067C>A, p.Pro1023Thr (NM_145796.4); c.3193C>A, p.Pro1065Thr (NM_207171.2); short protein forms P1023T, P1056T, P1065T, P1109T, P1118T, P1125T.
Identifiers: ClinVar variation 4688465 (VCV004688465.1).